The following is an entry in ClinVar:

ClinVar aggregate classification (germline): Conflicting classifications of pathogenicity. Review status: criteria provided, conflicting classifications (1 of 4 stars). 5 submissions from 5 submitters: Likely pathogenic (2); Uncertain significance (2). 1 of the submissions does not count toward it. Last evaluated 2023-09-01.

Conditions:
Floppy infant. Also called: Infantile muscular hypotonia. Identifiers: MedGen C1860834, HP:0008947.
Left ventricular noncompaction. Identifiers: Orphanet 54260, MedGen C1960469, MONDO:0018901, HP:0030682.
Cardiomyopathy (CMYO). Also called: Cardiomyopathies. Identifiers: Orphanet 167848, MedGen C0878544, MONDO:0004994, HP:0001638. Inheritance: Various modes of inheritance.
Lethal left ventricular non-compaction-seizures-hypotonia-cataract-developmental delay syndrome. Also called: Combined oxidative phosphorylation deficiency 31. Identifiers: Orphanet 478049, MedGen C4310661, MONDO:0014976, OMIM 617228.

Allele frequency attached by ClinVar (database versions not stated): ExAC 0.00003; gnomAD exomes 0.00004 and 0.00010; TOPMed 0.00005; gnomAD 0.00006 and 0.00007.
gnomAD v4.1: 150 of 1,610,352 alleles (0.0093%); highest among the groups gnomAD compares: Non-Finnish European, 0.012%; no homozygotes.

Submissions (5):

Blueprint Genetics
Classification: Uncertain significance. Last evaluated: 2023-09-01. Review status: criteria provided, single submitter. Criteria: ACMG Guidelines, 2015. Collection method: clinical testing. Allele origin: germline.

Rady Children's Institute for Genomic Medicine, Rady Children's Hospital San Diego
Classification: Likely pathogenic for COMBINED OXIDATIVE PHOSPHORYLATION DEFICIENCY 31. Last evaluated: 2019-09-30. Review status: criteria provided, single submitter. Criteria: ACMG Guidelines, 2015. Collection method: clinical testing. Allele origin: germline. Affected: yes.
Comment: This variant has been previously reported in trans configuration with a 1.4-Mb deletion of 13q12.12 that included MIPEP gene in a patient with respiratory depression at birth, seizures, arrrhythmia, cardiac abnormalities (biventricular hypertrophic cardiomyopathy, patent ductus arteriosis, ventricular septal defect, congestive heart failure), lactic acidosis, congenital hyperinsulinemia, abnormal blood gases, microcolon, dysmorphic facial features, and abnormal light and electron microscopic findings of the skeletal muscle (diaphragm) and cardiac muscle (PMID: 27799064). It is present in the heterozygous state in the gnomAD population database at a frequency of 0.004% (12/277042), is absent in the homozygous state, and thus is presumed to be rare. This variant has been reported in the ClinVar database (Variation ID: 208633). The c.1534C>G (p.His512Asp) variant affects a highly conserved amino acid and is predicted by multiple in silico tools to have a deleterious effect on protein function. Based on the available evidence, the c.1534C>G (p.His512Asp) variant is classified as Likely Pathogenic.

Baylor Genetics
Classification: Uncertain significance for Cardiomyopathy; Left ventricular noncompaction; Infantile muscular hypotonia. Last evaluated: 2015-06-17. Review status: criteria provided, single submitter. Criteria: Eldomery et al. (Genome Med. 2016). Collection method: research. Allele origin: paternal. Inheritance: Autosomal recessive inheritance. Affected: yes. Study: MIPEP.

Randwick Genomics Laboratory, Prince of Wales Hospital Sydney, Australia, New South Wales Health Pathology
Classification: Likely pathogenic for Lethal left ventricular non-compaction-seizures-hypotonia-cataract-developmental delay syndrome. Review status: criteria provided, single submitter. Criteria: ACMG Guidelines, 2015. Collection method: clinical testing. Allele origin: germline. Affected: yes.
Comment: PS4, PM1, PM3, PP3

Sibling pair, AR compound heterozygote

OMIM
Classification: Pathogenic for COMBINED OXIDATIVE PHOSPHORYLATION DEFICIENCY 31. Last evaluated: 2016-12-01. Review status: no assertion criteria provided. Collection method: literature only. Allele origin: germline. Not counted in ClinVar's aggregate classification.

Literature cited by the submitters: PubMed 27799064 (cited by OMIM).

NM_005932.4(MIPEP):c.1534C>G (p.His512Asp)

Gene: MIPEP (mitochondrial intermediate peptidase; minus strand). Cytogenetic location: 13q12.12.
Variant type: single nucleotide variant.
Coding change: c.1534C>G on transcript NM_005932.4 (MANE Select); coding-DNA position 1534, C replaced by G.
Protein change: p.His512Asp; replaces histidine 512 with aspartic acid.
Molecular consequence: missense variant.
Genome position (GRCh38, 1-based): chr13:23,837,561, G>C on the plus strand (C>G on the coding strand, the complement: MIPEP is on the minus strand). VCF-style: chr13-23837561-G-C. GRCh37 (hg19) VCF-style: chr13-24411700-G-C.
Other names: short protein forms H512D.
Identifiers: ClinVar variation 208633 (VCV000208633.6), dbSNP rs779598020, ClinGen allele CA6912972.